The following is an entry in ClinVar:

ClinVar aggregate classification (germline): Uncertain significance (1 of 4 stars; one submission).

Conditions:
Lymphoproliferative syndrome 1 (LPFS1). Identifiers: Orphanet 238505, Orphanet 538963, MedGen C3552634, MONDO:0013081, OMIM 613011.

Allele frequency attached by ClinVar (database versions not stated): gnomAD 0.00001; TOPMed 0.00001.
gnomAD v4.1: 6 of 1,613,594 alleles (0.00037%); highest among the groups gnomAD compares: Non-Finnish European, 0.00051%; no homozygotes.

Submission:

Labcorp Genetics (formerly Invitae), Labcorp
Classification: Uncertain significance for Lymphoproliferative syndrome 1. Last evaluated: 2022-07-12. Review status: criteria provided, single submitter. Criteria: Invitae Variant Classification Sherloc (09022015). Collection method: clinical testing. Allele origin: germline.
Comment: This sequence change replaces serine, which is neutral and polar, with threonine, which is neutral and polar, at codon 71 of the ITK protein (p.Ser71Thr). This variant is not present in population databases (gnomAD no frequency). This variant has not been reported in the literature in individuals affected with ITK-related conditions. ClinVar contains an entry for this variant (Variation ID: 942255). Advanced modeling of protein sequence and biophysical properties (such as structural, functional, and spatial information, amino acid conservation, physicochemical variation, residue mobility, and thermodynamic stability) performed at Invitae indicates that this missense variant is not expected to disrupt ITK protein function. In summary, the available evidence is currently insufficient to determine the role of this variant in disease. Therefore, it has been classified as a Variant of Uncertain Significance.

NM_005546.4(ITK):c.212G>C (p.Ser71Thr)

Gene: ITK (IL2 inducible T cell kinase; plus strand). Cytogenetic location: 5q33.3.
Variant type: single nucleotide variant.
Coding change: c.212G>C on transcript NM_005546.4 (MANE Select); coding-DNA position 212, G replaced by C.
Protein change: p.Ser71Thr; replaces serine 71 with threonine.
Molecular consequence: missense variant.
Genome position (GRCh38, 1-based): chr5:157,208,962, G>C. VCF-style: chr5-157208962-G-C. GRCh37 (hg19) VCF-style: chr5-156635973-G-C.
Other names: short protein forms S71T.
Identifiers: ClinVar variation 942255 (VCV000942255.5), dbSNP rs1386860362, ClinGen allele CA361947961.
Genomic context (GRCh38, chr5:157,208,962, plus strand): 5'-TGAAGGGGTCCATTGAGCTCTCCCGAATCAAATGTGTTGAGATTGTGAAAAGTGACATCA[G>C]CATCCCATGCCACTATAAATACCCGTTTCAGGTAAGTCCATCAGGTGGGTAGTTCCCCAT-3'
Protein context (NP_005537.3, residues 61-81): KCVEIVKSDI[Ser71Thr]IPCHYKYPFQ